The following is an entry in ClinVar:

ClinVar aggregate classification (germline): Uncertain significance. Review status: criteria provided, multiple submitters, no conflicts (2 of 4 stars). 2 submissions from 2 submitters: Uncertain significance (2). Last evaluated 2025-09-02.

Conditions:
Pontocerebellar hypoplasia type 3 (PCH3). Also called: CEREBELLAR ATROPHY WITH PROGRESSIVE MICROCEPHALY; PCH WITH OPTIC ATROPHY. Identifiers: Orphanet 97249, MedGen C1842687, MONDO:0011948, OMIM 608027.

Allele frequency attached by ClinVar (database versions not stated): gnomAD 0.00001; gnomAD exomes 0.00001; TOPMed 0.00001; ExAC 0.00002.

Submissions (2):

Labcorp Genetics (formerly Invitae), Labcorp
Classification: Uncertain significance. Last evaluated: 2025-09-02. Review status: criteria provided, single submitter. Criteria: Invitae Variant Classification Sherloc (09022015). Collection method: clinical testing. Allele origin: germline.
Comment: This sequence change replaces methionine, which is neutral and non-polar, with valine, which is neutral and non-polar, at codon 1188 of the PCLO protein (p.Met1188Val). This variant is present in population databases (rs748025637, gnomAD 0.007%). This variant has not been reported in the literature in individuals affected with PCLO-related conditions. ClinVar contains an entry for this variant (Variation ID: 1516146). Experimental studies and prediction algorithms are not available or were not evaluated, and the functional significance of this variant is currently unknown. In summary, the available evidence is currently insufficient to determine the role of this variant in disease. Therefore, it has been classified as a Variant of Uncertain Significance.

Institute of Human Genetics, University Hospital of Duesseldorf
Classification: Uncertain significance for Pontocerebellar hypoplasia type 3. Review status: criteria provided, single submitter. Criteria: ACMG Guidelines, 2015. Collection method: not provided. Allele origin: germline. Inheritance: Autosomal recessive inheritance. Affected: yes.

NM_033026.6(PCLO):c.3562A>G (p.Met1188Val)

Gene: PCLO (piccolo presynaptic cytomatrix protein; minus strand). Cytogenetic location: 7q21.11.
Variant type: single nucleotide variant.
Coding change: c.3562A>G on transcript NM_033026.6 (MANE Select); coding-DNA position 3562, A replaced by G.
Protein change: p.Met1188Val; replaces methionine 1188 with valine.
Molecular consequence: missense variant.
Genome position (GRCh38, 1-based): chr7:82,966,226, T>C on the plus strand (A>G on the coding strand, the complement: PCLO is on the minus strand). VCF-style: chr7-82966226-T-C. GRCh37 (hg19) VCF-style: chr7-82595542-T-C.
Other names: c.3562A>G, p.Met1188Val (NM_014510.3); short protein forms M1188V.
Identifiers: ClinVar variation 1516146 (VCV001516146.6), dbSNP rs748025637, ClinGen allele CA4321014.
Genomic context (GRCh38, chr7:82,966,226, plus strand): 5'-GAGCTGAAGCTTTGTCTTTCTCTAGTTTACTCTCTTCTTGTTTTTGATCTGTGGTTACCA[T>C]AGGAGGAATTTTTTCCATTGATAGTGTTTCCTTTACTTTTTCCAGAATGACTTTTTCAGC-3'
Protein context (NP_149015.2, residues 1178-1198): ETLSMEKIPP[Met1188Val]VTTDQKQEES